The following is an entry in ClinVar:

NM_001351114.2(HSFX4):c.306C>T (p.Asn102=)

Genes: EOLA2 (endothelium and lymphocyte associated ASCH domain 2; minus strand), HSFX4 (heat shock transcription factor family, X-linked member 4; plus strand). Cytogenetic location: Xq28.
Variant type: single nucleotide variant.
Coding change: c.306C>T on transcript NM_001351114.2 (MANE Select); coding-DNA position 306, C replaced by T.
Protein change: p.Asn102=; no amino-acid change (asparagine 102 retained).
Molecular consequence: synonymous variant.
Genome position (GRCh38, 1-based): chrX:149,929,950, C>T. VCF-style: chrX-149929950-C-T. GRCh37 (hg19) VCF-style: chrX-149098168-C-T.
Identifiers: ClinVar variation 2661623 (VCV002661623.24), dbSNP rs782370593, ClinGen allele CA337053060.
Genomic context (GRCh38, chrX:149,929,950, plus strand): 5'-CTTCCCAAGAAAGCTTTGGACGATTGTGGAGGAAGACACATTCAAGTCTGTGAGCTGGAA[C>T]GATGATGGAGACGCCGTGATCATCGACAAGGATCTCTTCCAGAGGGAGGTTCTTCAACGG-3'
Protein context (NP_001338043.1, residues 92-112): EEDTFKSVSW[Asn102=]DDGDAVIIDK

ClinVar aggregate classification (germline): Likely benign (1 of 4 stars; one submission).

Allele frequency attached by ClinVar (database versions not stated): 1000 Genomes Project 30x 0.00187; 1000 Genomes Project 0.00238; TOPMed 0.00315.

Submission:

CeGaT Center for Human Genetics Tuebingen
Classification: Likely benign. Last evaluated: 2022-11-01. Review status: criteria provided, single submitter. Criteria: CeGaT Center For Human Genetics Tuebingen Variant Classification Criteria Version 2. Collection method: clinical testing. Allele origin: germline. Affected: yes. Observed: 4 variant alleles.
Comment: HSFX4: BP4, BP7, BS2